The following is an entry in ClinVar:

NM_002291.3(LAMB1):c.1843C>A (p.Arg615Ser)

Gene: LAMB1 (laminin subunit beta 1; minus strand). Cytogenetic location: 7q31.1.
Variant type: single nucleotide variant.
Coding change: c.1843C>A on transcript NM_002291.3 (MANE Select); coding-DNA position 1843, C replaced by A.
Protein change: p.Arg615Ser; replaces arginine 615 with serine.
Molecular consequence: missense variant.
Genome position (GRCh38, 1-based): chr7:107,962,919, G>T on the plus strand (C>A on the coding strand, the complement: LAMB1 is on the minus strand). VCF-style: chr7-107962919-G-T. GRCh37 (hg19) VCF-style: chr7-107603364-G-T.
Other names: short protein forms R615S.
Identifiers: ClinVar variation 4687422 (VCV004687422.1).

ClinVar aggregate classification (germline): Uncertain significance (1 of 4 stars; one submission).

gnomAD v4.1: 9 of 1,612,572 alleles (0.00056%); highest among the groups gnomAD compares: African/African-American, 0.0013%; no homozygotes.

Submission:

Women's Health and Genetics/Laboratory Corporation of America, LabCorp
Classification: Uncertain significance. Last evaluated: 2025-10-09. Review status: criteria provided, single submitter. Criteria: LabCorp Variant Classification Summary - May 2015. Collection method: clinical testing. Allele origin: germline.
Comment: Variant summary: LAMB1 c.1843C>A (p.Arg615Ser) results in a non-conservative amino acid change in the encoded protein sequence. Algorithms developed to predict the effect of missense changes on protein structure and function are either unavailable or do not agree on the potential impact of this missense change. The variant allele was found at a frequency of 4e-06 in 250382 control chromosomes. The available data on variant occurrences in the general population are insufficient to allow any conclusion about variant significance. To our knowledge, no occurrence of c.1843C>A in individuals affected with LAMB1-related conditions and no experimental evidence demonstrating its impact on protein function have been reported. No submitters have cited clinical-significance assessments for this variant to ClinVar. Based on the evidence outlined above, the variant was classified as uncertain significance.